The following is an entry in ClinVar:

ClinVar aggregate classification (germline): Uncertain significance (1 of 4 stars; one submission).

Conditions:
Hereditary cancer-predisposing syndrome. Also called: Neoplastic Syndromes, Hereditary; Tumor predisposition; Hereditary neoplastic syndrome; Hereditary Cancer Syndrome. Identifiers: Orphanet 140162, MedGen C0027672, MeSH D009386, MONDO:0015356.

Submission:

Ambry Genetics
Classification: Uncertain significance for Hereditary cancer-predisposing syndrome. Last evaluated: 2023-03-08. Review status: criteria provided, single submitter. Criteria: Ambry Variant Classification Scheme 2023. Collection method: clinical testing. Allele origin: germline.
Comment: The p.G75C variant (also known as c.223G>T), located in coding exon 3 of the NBN gene, results from a G to T substitution at nucleotide position 223. The glycine at codon 75 is replaced by cysteine, an amino acid with highly dissimilar properties. This amino acid position is conserved. In addition, this alteration is predicted to be deleterious by in silico analysis. Since supporting evidence is limited at this time, the clinical significance of this alteration remains unclear.

NM_002485.5(NBN):c.223G>T (p.Gly75Cys)

Gene: NBN (nibrin; minus strand). Cytogenetic location: 8q21.3.
Variant type: single nucleotide variant.
Coding change: c.223G>T on transcript NM_002485.5 (MANE Select); coding-DNA position 223, G replaced by T.
Protein change: p.Gly75Cys; replaces glycine 75 with cysteine.
Molecular consequence: missense variant. On other transcripts: 5 prime UTR variant (1).
Genome position (GRCh38, 1-based): chr8:89,981,472, C>A on the plus strand (G>T on the coding strand, the complement: NBN is on the minus strand). VCF-style: chr8-89981472-C-A. GRCh37 (hg19) VCF-style: chr8-90993700-C-A.
Other names: c.-24G>T (NM_001024688.3); short protein forms G75C.
Identifiers: ClinVar variation 2452413 (VCV002452413.2), dbSNP rs2488361129, ClinGen allele CA371662536.